The following is an entry in ClinVar:

NM_012309.5(SHANK2):c.2292G>A (p.Ser764=)

Gene: SHANK2 (SH3 and multiple ankyrin repeat domains 2; minus strand). Cytogenetic location: 11q13.4.
Variant type: single nucleotide variant.
Coding change: c.2292G>A on transcript NM_012309.5 (MANE Select); coding-DNA position 2292, G replaced by A.
Protein change: p.Ser764=; no amino-acid change (serine 764 retained).
Molecular consequence: synonymous variant. On other transcripts: non-coding transcript variant (1).
Genome position (GRCh38, 1-based): chr11:70,500,586, C>T on the plus strand (G>A on the coding strand, the complement: SHANK2 is on the minus strand). VCF-style: chr11-70500586-C-T. GRCh37 (hg19) VCF-style: chr11-70346691-C-T.
Other names: c.1155G>A, p.Ser385= (NM_001379226.1); c.528G>A, p.Ser176= (NM_133266.5).
Identifiers: ClinVar variation 436711 (VCV000436711.30), dbSNP rs782696929, ClinGen allele CA6161456.

ClinVar aggregate classification (germline): Likely benign. Review status: criteria provided, multiple submitters, no conflicts (2 of 4 stars). 2 submissions from 2 submitters: Likely benign (2). Last evaluated 2022-04-01.

Allele frequency attached by ClinVar (database versions not stated): ExAC 0.00002; gnomAD 0.00004 and 0.00005.
gnomAD v4.1: 41 of 1,602,700 alleles (0.0026%); highest among the groups gnomAD compares: East Asian, 0.0023%; no homozygotes.

Submissions (2):

CeGaT Center for Human Genetics Tuebingen
Classification: Likely benign. Last evaluated: 2022-04-01. Review status: criteria provided, single submitter. Criteria: CeGaT Center For Human Genetics Tuebingen Variant Classification Criteria Version 2. Collection method: clinical testing. Allele origin: germline. Affected: yes. Observed: 1 variant allele.
Comment: SHANK2: BP4, BP7

Genetic Services Laboratory, University of Chicago
Classification: Likely benign. Last evaluated: 2016-08-08. Review status: criteria provided, single submitter. Criteria: ACMG Guidelines, 2015. Collection method: clinical testing. Allele origin: germline. Affected: no.